The following is an entry in ClinVar:

NM_004415.4(DSP):c.5659_5660del (p.Lys1887fs)

Gene: DSP (desmoplakin; plus strand). Cytogenetic location: 6p24.3.
Variant type: Deletion.
Coding change: c.5659_5660del on transcript NM_004415.4 (MANE Select); coding-DNA positions 5659 to 5660, 2 bases deleted (AA; older notation c.5659_5660delAA).
Protein change: p.Lys1887fs; shifts the reading frame from lysine 1887.
Molecular consequence: frameshift variant.
Genome position (GRCh38, 1-based): chr6:7,582,921-7,582,922, AA deleted; deleting any 2 consecutive bases within chr6:7,582,919-7,582,922 gives the same sequence; the c. name uses the placement nearest the transcript's 3' end. VCF-style (leftmost placement, unchanged base first): chr6-7582918-GAA-G. GRCh37 (hg19) VCF-style: chr6-7583151-GAA-G.
Other names: c.3862_3863del, p.Lys1288fs (NM_001008844.3); c.4330_4331del, p.Lys1444fs (NM_001319034.2); short protein forms K1288fs, K1444fs, K1887fs.
Identifiers: ClinVar variation 4757893 (VCV004757893.1).
Genomic context (GRCh38, chr6:7,582,918, plus strand): 5'-CAGTGGAAGACTCAATATTCCCGCAAGGAGGAGGCTATTAGGAAGATAGAATCGGAAAGA[GAA>G]AAGAGTGAGAGAGAGAAGAACAGTCTTAGGAGTGAGATCGAAAGACTCCAAGCAGAGATC-3'

ClinVar aggregate classification (germline): Pathogenic (1 of 4 stars; one submission).

Conditions:
Cardiomyopathy (CMYO). Also called: Cardiomyopathies. Identifiers: Orphanet 167848, MedGen C0878544, MONDO:0004994, HP:0001638. Inheritance: Various modes of inheritance.

Submission:

Color Diagnostics, LLC DBA Color Health
Classification: Pathogenic for Cardiomyopathy. Last evaluated: 2025-08-26. Review status: criteria provided, single submitter. Criteria: ACMG Guidelines, 2015. Collection method: clinical testing. Allele origin: germline.
Comment: This variant deletes 2 nucleotides in exon 24 of the DSP gene, creating a frameshift and premature translation stop signal in the last exon. This variant disrupts the plakin repeat domains A, B and C (a.a. 1960-2822), as well as amino acids at the C-terminal extremity of the protein that have been reported to be essential for coalignment and binding of intermediate filaments (PMID: 12101406, 12802069, 21756917). This variant is expected to result in non-functional protein product. This variant has been reported in individuals affected with arrhythmogenic right ventricular cardiomyopathy (PMID: 27532257, 38938828). This variant has not been identified in the general population by the Genome Aggregation Database (gnomAD). Based on the available evidence, this variant is classified as Pathogenic.

Literature cited by the submitters: PubMed 12101406; PubMed 12802069; PubMed 21756917; PubMed 27532257; PubMed 38938828.